The following is an entry in ClinVar:

NM_006892.4(DNMT3B):c.2441A>G (p.His814Arg)

Gene: DNMT3B (DNA methyltransferase 3 beta; plus strand). Cytogenetic location: 20q11.21.
Variant type: single nucleotide variant.
Coding change: c.2441A>G on transcript NM_006892.4 (MANE Select); coding-DNA position 2441, A replaced by G.
Protein change: p.His814Arg; replaces histidine 814 with arginine.
Molecular consequence: missense variant.
Genome position (GRCh38, 1-based): chr20:32,807,782, A>G. VCF-style: chr20-32807782-A-G. GRCh37 (hg19) VCF-style: chr20-31395588-A-G.
Other names: c.2066A>G, p.His689Arg (NM_001207055.2); c.1964A>G, p.His655Arg (NM_001207056.2); c.2381A>G, p.His794Arg (NM_175848.2); c.2192A>G, p.His731Arg (NM_175849.2); c.2417A>G, p.His806Arg (NM_175850.3); short protein forms H655R, H689R, H731R, H794R, H806R, H814R.
Identifiers: ClinVar variation 1705256 (VCV001705256.5), dbSNP rs1219696128, ClinGen allele CA408592891.

ClinVar aggregate classification (germline): Likely pathogenic. Review status: criteria provided, multiple submitters, no conflicts (2 of 4 stars). 2 submissions from 2 submitters: Likely pathogenic (2). Last evaluated 2025-11-11.

Conditions:
Centromeric instability of chromosomes 1,9 and 16 and immunodeficiency (ICF1). Also called: CENTROMERIC INSTABILITY, IMMUNODEFICIENCY SYNDROME; IMMUNE DEFICIENCY, VARIABLE, WITH CENTROMERIC INSTABILITY OF CHROMOSOMES 1, 9, AND 16; IMMUNODEFICIENCY SYNDROME, VARIABLE; Immunodeficiency-centromeric instability-facial anomalies. Identifiers: Orphanet 2268, MedGen C0398788, MONDO:0000133.
Immunodeficiency-centromeric instability-facial anomalies syndrome 1 (ICF1). Identifiers: Orphanet 2268, MedGen C4551557, MONDO:0009454, OMIM 242860.

Allele frequency attached by ClinVar (database versions not stated): gnomAD 0.00001; gnomAD exomes 0.00001.

Submissions (2):

Women's Health and Genetics/Laboratory Corporation of America, LabCorp
Classification: Likely pathogenic for Immunodeficiency-centromeric instability-facial anomalies syndrome 1. Last evaluated: 2025-11-11. Review status: criteria provided, single submitter. Criteria: LabCorp Variant Classification Summary - May 2015. Collection method: clinical testing. Allele origin: germline.
Comment: Variant summary: DNMT3B c.2441A>G (p.His814Arg) results in a non-conservative amino acid change in the encoded protein sequence. Algorithms developed to predict the effect of missense changes on protein structure and function all suggest that this variant is likely to be disruptive. The variant was absent in 251160 control chromosomes. c.2441A>G has been reported in the literature in at least two compound heterozygous individuals affected with ICF Syndrome (e.g. Wijmenga_2000, Jiang_2005). These data indicate that the variant may be associated with disease. At least two publications report experimental evidence evaluating an impact on protein function (e.g. Xie_2006, Moarefi_2011, Cho_PS_2024). The most pronounced effect of the variant results in approximately 2% methylation activity compared to the wild-type protein and disrupted homo-oligomerization and a severely impacted ability to bind SAM (Moarefi_2011). The following publications have been ascertained in the context of this evaluation (PMID: 15580563, 21549127, 11102980, 16543361, 39290110). ClinVar contains an entry for this variant (Variation ID: 1705256). Based on the evidence outlined above, the variant was classified as likely pathogenic.

Labcorp Genetics (formerly Invitae), Labcorp
Classification: Likely pathogenic for Centromeric instability of chromosomes 1,9 and 16 and immunodeficiency. Last evaluated: 2023-11-11. Review status: criteria provided, single submitter. Criteria: Invitae Variant Classification Sherloc (09022015). Collection method: clinical testing. Allele origin: germline.
Comment: This sequence change replaces histidine, which is basic and polar, with arginine, which is basic and polar, at codon 814 of the DNMT3B protein (p.His814Arg). This variant is not present in population databases (gnomAD no frequency). This missense change has been observed in individuals with immunodeficiency, centromeric instability, and facial anomalies (ICF) syndrome (PMID: 11102980, 15580563). This variant is also known as c.2417A>G, p.His806Arg. ClinVar contains an entry for this variant (Variation ID: 1705256). Advanced modeling of protein sequence and biophysical properties (such as structural, functional, and spatial information, amino acid conservation, physicochemical variation, residue mobility, and thermodynamic stability) performed at Invitae indicates that this missense variant is expected to disrupt DNMT3B protein function with a positive predictive value of 80%. Experimental studies have shown that this missense change affects DNMT3B function (PMID: 16543361, 21549127). In summary, the currently available evidence indicates that the variant is pathogenic, but additional data are needed to prove that conclusively. Therefore, this variant has been classified as Likely Pathogenic.

Literature cited by the submitters: PubMed 15580563 (cited by Women's Health and Genetics/Laboratory Corporation of America, LabCorp and Labcorp Genetics (formerly Invitae), Labcorp); PubMed 21549127 (cited by Women's Health and Genetics/Laboratory Corporation of America, LabCorp and Labcorp Genetics (formerly Invitae), Labcorp); PubMed 11102980 (cited by Women's Health and Genetics/Laboratory Corporation of America, LabCorp and Labcorp Genetics (formerly Invitae), Labcorp); PubMed 16543361 (cited by Women's Health and Genetics/Laboratory Corporation of America, LabCorp and Labcorp Genetics (formerly Invitae), Labcorp); PubMed 39290110 (cited by Women's Health and Genetics/Laboratory Corporation of America, LabCorp).